The following is an entry in ClinVar:

ClinVar aggregate classification (germline): Conflicting classifications of pathogenicity. Review status: criteria provided, conflicting classifications (1 of 4 stars). 2 submissions from 2 submitters: Uncertain significance (1); Likely benign (1). Last evaluated 2025-10-26.

Conditions:
Inborn genetic diseases. Identifiers: MedGen C0950123, MeSH D030342.

Allele frequency attached by ClinVar (database versions not stated): gnomAD exomes 0.00002; gnomAD 0.00004; TOPMed 0.00004; ExAC 0.00001; 1000 Genomes Project 30x 0.00016; 1000 Genomes Project 0.00020.
gnomAD v4.1: 38 of 1,613,996 alleles (0.0024%); highest among the groups gnomAD compares: Middle Eastern, 0.082%; no homozygotes.

Submissions (2):

Labcorp Genetics (formerly Invitae), Labcorp
Classification: Uncertain significance. Last evaluated: 2025-10-26. Review status: criteria provided, single submitter. Criteria: Invitae Variant Classification Sherloc (09022015). Collection method: clinical testing. Allele origin: germline.
Comment: This sequence change replaces isoleucine, which is neutral and non-polar, with threonine, which is neutral and polar, at codon 547 of the DCHS1 protein (p.Ile547Thr). This variant is present in population databases (rs566059806, gnomAD 0.02%). This variant has not been reported in the literature in individuals affected with DCHS1-related conditions. ClinVar contains an entry for this variant (Variation ID: 2860858). Invitae Evidence Modeling of protein sequence and biophysical properties (such as structural, functional, and spatial information, amino acid conservation, physicochemical variation, residue mobility, and thermodynamic stability) indicates that this missense variant is not expected to disrupt DCHS1 protein function with a negative predictive value of 80%. In summary, the available evidence is currently insufficient to determine the role of this variant in disease. Therefore, it has been classified as a Variant of Uncertain Significance.

Ambry Genetics
Classification: Likely benign for Inborn genetic diseases. Last evaluated: 2024-08-14. Review status: criteria provided, single submitter. Criteria: Ambry Variant Classification Scheme 2023. Collection method: clinical testing. Allele origin: germline.

NM_003737.4(DCHS1):c.1640T>C (p.Ile547Thr)

Gene: DCHS1 (dachsous cadherin-related 1; minus strand). Cytogenetic location: 11p15.4.
Variant type: single nucleotide variant.
Coding change: c.1640T>C on transcript NM_003737.4 (MANE Select); coding-DNA position 1640, T replaced by C.
Protein change: p.Ile547Thr; replaces isoleucine 547 with threonine.
Molecular consequence: missense variant.
Genome position (GRCh38, 1-based): chr11:6,639,974, A>G on the plus strand (T>C on the coding strand, the complement: DCHS1 is on the minus strand). VCF-style: chr11-6639974-A-G. GRCh37 (hg19) VCF-style: chr11-6661205-A-G.
Other names: c.1640T>C (NM_003737.2); short protein forms I547T.
Identifiers: ClinVar variation 2860858 (VCV002860858.4), dbSNP rs566059806, ClinGen allele CA5860924.
Genomic context (GRCh38, chr11:6,639,974, plus strand): 5'-GCCACGCTAACTGTGGCAGAGGAGGCTAGAGGGGGCAGGCCACCATCTGTGGCCACCACA[A>G]TCAGCTGTGGCTGAGGTTCCAACTCATAGTCCAGTGAGGCAGCCGTAGTGATAATGCCTG-3'
Protein context (NP_003728.1, residues 537-557): DYELEPQPQL[Ile547Thr]VVATDGGLPP